The following is an entry in ClinVar:

NM_001232.4(CASQ2):c.691C>A (p.Pro231Thr)

Gene: CASQ2 (calsequestrin 2; minus strand). Cytogenetic location: 1p13.1.
Variant type: single nucleotide variant.
Coding change: c.691C>A on transcript NM_001232.4 (MANE Select); coding-DNA position 691, C replaced by A.
Protein change: p.Pro231Thr; replaces proline 231 with threonine.
Molecular consequence: missense variant.
Genome position (GRCh38, 1-based): chr1:115,727,038, G>T on the plus strand (C>A on the coding strand, the complement: CASQ2 is on the minus strand). VCF-style: chr1-115727038-G-T. GRCh37 (hg19) VCF-style: chr1-116269659-G-T.
Other names: short protein forms P231T.
Identifiers: ClinVar variation 392610 (VCV000392610.2), dbSNP rs749796276, ClinGen allele CA1023820.
Genomic context (GRCh38, chr1:115,727,038, plus strand): 5'-GCCATCTCAGGCACCTTTGGTGTTCCTTCACAAACTCCACCAGCTCCTCTTCTGTGTAAG[G>T]TTTGTTGGGGATGGCAATGGGCTCATCCATAAATGGCTCATAGAAGTCAACCTCATTCAT-3'
Protein context (NP_001223.2, residues 221-241): MDEPIAIPNK[Pro231Thr]YTEEELVEFV

ClinVar aggregate classification (germline): Uncertain significance (1 of 4 stars; one submission).

Allele frequency attached by ClinVar (database versions not stated): gnomAD exomes below 0.00001; ExAC 0.00001.
gnomAD v4.1: 2 of 1,613,850 alleles (0.00012%); highest among the groups gnomAD compares: Non-Finnish European, 0.00017%; no homozygotes.

Submission:

GeneDx
Classification: Uncertain significance. Last evaluated: 2017-01-10. Review status: criteria provided, single submitter. Criteria: GeneDx Variant Classification (06012015). Collection method: clinical testing. Allele origin: germline. Affected: yes.
Comment: The P231T variant of uncertain significance in the CASQ2 gene has not been published as a pathogenic variant, nor has it been reported as a benign variant to our knowledge. P231T was not observed in approximately 6,500 individuals of European and African American ancestry in the NHLBI Exome Sequencing Project, and it was not observed with any significant frequency in the Exome Aggregation Consortium, indicating it is not a common benign variant in these populations. The P231T variant is a non-conservative amino acid substitution, which is likely to impact secondary protein structure as these residues differ in polarity, charge, size and/or other properties. Moreover, this substitution occurs at a position that is conserved across species, and in silico analysis predicts this variant is probably damaging to the protein structure/function. Nevertheless, no pathogenic missense variants in nearby residues have been reported in the Human Gene Mutation Database (Stenson et al., 2014), indicating that this region of the gene is not known to harbor disease-causing variants.